The following is an entry in ClinVar:

NM_004252.5(NHERF1):c.359C>T (p.Ala120Val)

Genes: NHERF1 (NHERF family PDZ scaffold protein 1; plus strand), SLC9A3R1-AS1 (SLC9A3R1 antisense RNA 1; minus strand). Cytogenetic location: 17q25.1.
Variant type: single nucleotide variant.
Coding change: c.359C>T on transcript NM_004252.5 (MANE Select); coding-DNA position 359, C replaced by T.
Protein change: p.Ala120Val; replaces alanine 120 with valine.
Molecular consequence: missense variant. On other transcripts: non-coding transcript variant (1).
Genome position (GRCh38, 1-based): chr17:74,749,205, C>T. VCF-style: chr17-74749205-C-T. GRCh37 (hg19) VCF-style: chr17-72745344-C-T.
Other names: c.359C>T (NM_004252.3); short protein forms A120V.
Identifiers: ClinVar variation 2961769 (VCV002961769.4), dbSNP rs781225507, ClinGen allele CA8750577.
Genomic context (GRCh38, chr17:74,749,205, plus strand): 5'-AGAAGCTCGGCGTCCAGGTCCGAGAGGAGCTGCTGCGCGCCCAGGAAGCGCCGGGGCAGG[C>T]CGAGCCGCCGGCCGCCGCCGAGGTGCAGGGGGCTGGCAACGAAAATGAGCCTCGCGAGGC-3'
Protein context (NP_004243.1, residues 110-130): LLRAQEAPGQ[Ala120Val]EPPAAAEVQG

ClinVar aggregate classification (germline): Uncertain significance. Review status: criteria provided, multiple submitters, no conflicts (2 of 4 stars). 2 submissions from 2 submitters: Uncertain significance (2). Last evaluated 2025-05-27.

Conditions:
Inborn genetic diseases. Identifiers: MedGen C0950123, MeSH D030342.

Allele frequency attached by ClinVar (database versions not stated): TOPMed 0.00012; gnomAD 0.00010.
gnomAD v4.1: 23 of 1,525,470 alleles (0.0015%); highest among the groups gnomAD compares: African/African-American, 0.03%; no homozygotes.

Submissions (2):

Labcorp Genetics (formerly Invitae), Labcorp
Classification: Uncertain significance. Last evaluated: 2025-05-27. Review status: criteria provided, single submitter. Criteria: Invitae Variant Classification Sherloc (09022015). Collection method: clinical testing. Allele origin: germline.
Comment: This sequence change replaces alanine, which is neutral and non-polar, with valine, which is neutral and non-polar, at codon 120 of the SLC9A3R1 protein (p.Ala120Val). This variant is present in population databases (rs781225507, gnomAD 0.02%). This variant has not been reported in the literature in individuals affected with SLC9A3R1-related conditions. ClinVar contains an entry for this variant (Variation ID: 2961769). An algorithm developed to predict the effect of missense changes on protein structure and function (PolyPhen-2) suggests that this variant is likely to be tolerated. In summary, the available evidence is currently insufficient to determine the role of this variant in disease. Therefore, it has been classified as a Variant of Uncertain Significance.

Ambry Genetics
Classification: Uncertain significance for Inborn genetic diseases. Last evaluated: 2025-02-25. Review status: criteria provided, single submitter. Criteria: Ambry Variant Classification Scheme 2023. Collection method: clinical testing. Allele origin: germline.